The following is an entry in ClinVar:

ClinVar aggregate classification (germline): Uncertain significance. Review status: criteria provided, multiple submitters, no conflicts (2 of 4 stars). 2 submissions from 2 submitters: Uncertain significance (2). Last evaluated 2023-02-23.

Conditions:
Dyskeratosis congenita, autosomal dominant 2. Identifiers: MedGen C3151443, MONDO:0013521, OMIM 613989.
Idiopathic Pulmonary Fibrosis. Also called: Idiopathic fibrosing alveolitis, chronic form; idiopathic fibrosing alveolitis. Identifiers: Orphanet 2032, MedGen C1800706, MeSH D054990, MONDO:0800504.
Dyskeratosis congenita. Identifiers: Orphanet 1775, MedGen C0265965, MONDO:0015780.

Submissions (2):

Ambry Genetics
Classification: Uncertain significance for Dyskeratosis congenita. Last evaluated: 2023-02-23. Review status: criteria provided, single submitter. Criteria: Ambry Variant Classification Scheme 2023. Collection method: clinical testing. Allele origin: germline.
Comment: The p.A437S variant (also known as c.1309G>T), located in coding exon 2 of the TERT gene, results from a G to T substitution at nucleotide position 1309. The alanine at codon 437 is replaced by serine, an amino acid with similar properties. This amino acid position is conserved. In addition, this alteration is predicted to be tolerated by in silico analysis. Since supporting evidence is limited at this time, the clinical significance of this alteration remains unclear.

Labcorp Genetics (formerly Invitae), Labcorp
Classification: Uncertain significance for Dyskeratosis congenita, autosomal dominant 2; Idiopathic Pulmonary Fibrosis. Last evaluated: 2021-09-04. Review status: criteria provided, single submitter. Criteria: Invitae Variant Classification Sherloc (09022015). Collection method: clinical testing. Allele origin: germline.
Comment: This sequence change replaces alanine with serine at codon 437 of the TERT protein (p.Ala437Ser). The alanine residue is weakly conserved and there is a moderate physicochemical difference between alanine and serine. Advanced modeling of protein sequence and biophysical properties (such as structural, functional, and spatial information, amino acid conservation, physicochemical variation, residue mobility, and thermodynamic stability) performed at Invitae indicates that this missense variant is not expected to disrupt TERT protein function. This variant has not been reported in the literature in individuals affected with TERT-related conditions. The frequency data for this variant in the population databases is considered unreliable, as metrics indicate insufficient coverage at this position in the ExAC database. In summary, the available evidence is currently insufficient to determine the role of this variant in disease. Therefore, it has been classified as a Variant of Uncertain Significance.

NM_198253.3(TERT):c.1309G>T (p.Ala437Ser)

Gene: TERT (telomerase reverse transcriptase; minus strand). Cytogenetic location: 5p15.33.
Variant type: single nucleotide variant.
Coding change: c.1309G>T on transcript NM_198253.3 (MANE Select); coding-DNA position 1309, G replaced by T.
Protein change: p.Ala437Ser; replaces alanine 437 with serine.
Molecular consequence: missense variant. On other transcripts: non-coding transcript variant (2).
Genome position (GRCh38, 1-based): chr5:1,293,577, C>A on the plus strand (G>T on the coding strand, the complement: TERT is on the minus strand). VCF-style: chr5-1293577-C-A. GRCh37 (hg19) VCF-style: chr5-1293692-C-A.
Other names: c.1309G>T, p.Ala437Ser (NM_001193376.3); c.1309G>T (NM_198253.2); short protein forms A437S.
Identifiers: ClinVar variation 1349502 (VCV001349502.8), dbSNP rs2126684878, ClinGen allele CA359086280.
Genomic context (GRCh38, chr5:1,293,577, plus strand): 5'-TGCTGTGCTGGCGGAGCAGCTGCACCAGGCGACGGGGGTCTGTGTCCTCCTCCTCGGGGG[C>A]CGCCACAGAGCCCTGGGGCTTCTCCCGGGCACAGACACCGGCTGCTGGGGTGACCGCAGC-3'
Protein context (NP_937983.2, residues 427-447): AREKPQGSVA[Ala437Ser]PEEEDTDPRR